The following is an entry in ClinVar:

NM_016599.5(MYOZ2):c.246+42A>G

Gene: MYOZ2 (myozenin 2; plus strand). Cytogenetic location: 4q26.
Variant type: single nucleotide variant.
Coding change: c.246+42A>G on transcript NM_016599.5 (MANE Select); 42 bases into the intron after coding-DNA position 246, A replaced by G.
Molecular consequence: intron variant.
Genome position (GRCh38, 1-based): chr4:119,151,083, A>G. VCF-style: chr4-119151083-A-G. GRCh37 (hg19) VCF-style: chr4-120072238-A-G.
Identifiers: ClinVar variation 671140 (VCV000671140.2), dbSNP rs6828349, ClinGen allele CA3058576.

ClinVar aggregate classification (germline): Benign. Review status: criteria provided, multiple submitters, no conflicts (2 of 4 stars). 2 submissions from 2 submitters: Benign (2). Last evaluated 2018-06-15.

Allele frequency attached by ClinVar (database versions not stated): 1000 Genomes Project 30x 0.53326; 1000 Genomes Project 0.54413; TOPMed 0.57533; gnomAD 0.58506 and 0.59001; ESP Exome Variant Server 0.58800; ExAC 0.64819; gnomAD exomes 0.65558 and 0.69794.
gnomAD v4.1: 1,054,209 of 1,536,358 alleles (69%); highest among the groups gnomAD compares: Non-Finnish European, 73%; 369,440 homozygotes.

Submissions (2):

GeneDx
Classification: Benign. Last evaluated: 2018-06-15. Review status: criteria provided, single submitter. Criteria: GeneDx Variant Classification (06012015). Collection method: clinical testing. Allele origin: germline. Affected: yes.
Comment: This variant is considered likely benign or benign based on one or more of the following criteria: it is a conservative change, it occurs at a poorly conserved position in the protein, it is predicted to be benign by multiple in silico algorithms, and/or has population frequency not consistent with disease.

Breakthrough Genomics
Classification: Benign. Review status: criteria provided, single submitter. Criteria: ACMG Guidelines, 2015. Collection method: not provided. Allele origin: germline. Inheritance: Autosomal dominant inheritance. Affected: yes.